The following is an entry in ClinVar:

ClinVar aggregate classification (germline): Likely benign (1 of 4 stars; one submission).

Conditions:
Thyroid dyshormonogenesis 1. Also called: HYPOTHYROIDISM, CONGENITAL, DUE TO DYSHORMONOGENESIS, 1; IODINE ACCUMULATION, TRANSPORT, OR TRAPPING DEFECT; THYROID HORMONOGENESIS, GENETIC DEFECT IN, 1; Familial thyroid dyshormonogenesis 1. Identifiers: Orphanet 95716, MedGen C1848805, MONDO:0020716, OMIM 274400.

Allele frequency attached by ClinVar (database versions not stated): 1000 Genomes Project 0.02336; 1000 Genomes Project 30x 0.02514; TOPMed 0.02764.

Submission:

Illumina Laboratory Services, Illumina
Classification: Likely benign for Thyroid dyshormonogenesis 1. Last evaluated: 2018-01-13. Review status: criteria provided, single submitter. Criteria: ICSL Variant Classification Criteria 13 December 2019. Collection method: clinical testing. Allele origin: germline.
Comment: This variant was observed in the ICSL laboratory as part of a predisposition screen in an ostensibly healthy population. It had not been previously curated by ICSL or reported in the Human Gene Mutation Database (HGMD: prior to June 1st, 2018), and was therefore a candidate for classification through an automated scoring system. Utilizing variant allele frequency, disease prevalence and penetrance estimates, and inheritance mode, an automated score was calculated to assess if this variant is too frequent to cause the disease. Based on the score and internal cut-off values, a variant classified as likely benign is not then subjected to further curation. The score for this variant resulted in a classification of likely benign for this disease.

NM_000453.3(SLC5A5):c.*645C>G

Gene: SLC5A5 (solute carrier family 5 member 5; plus strand). Cytogenetic location: 19p13.11.
Variant type: single nucleotide variant.
Coding change: c.*645C>G on transcript NM_000453.3 (MANE Select); 645 bases downstream of the stop codon, C replaced by G.
Molecular consequence: 3 prime UTR variant.
Genome position (GRCh38, 1-based): chr19:17,894,522, C>G. VCF-style: chr19-17894522-C-G. GRCh37 (hg19) VCF-style: chr19-18005331-C-G.
Identifiers: ClinVar variation 891491 (VCV000891491.4), dbSNP rs146285354, ClinGen allele CA14725757.
Genomic context (GRCh38, chr19:17,894,522, plus strand): 5'-ATCTATAATAGAAAGCCACCACGCCCAGGTAATTTTTGTAATTTTGTATTTTTGTAGAGA[C>G]GGGGTTTTGCCATGTTGGCCAGGCTGGTCTCAAACTCCTGATCTCAGGTGATCCTCCTGC-3'